The following is an entry in ClinVar:

NM_005228.5(EGFR):c.3444C>G (p.Asn1148Lys)

Gene: EGFR (epidermal growth factor receptor; plus strand). Cytogenetic location: 7p11.2.
Variant type: single nucleotide variant.
Coding change: c.3444C>G on transcript NM_005228.5 (MANE Select); coding-DNA position 3444, C replaced by G.
Protein change: p.Asn1148Lys; replaces asparagine 1148 with lysine.
Molecular consequence: missense variant.
Genome position (GRCh38, 1-based): chr7:55,205,428, C>G. VCF-style: chr7-55205428-C-G. GRCh37 (hg19) VCF-style: chr7-55273121-C-G.
Other names: c.3309C>G, p.Asn1103Lys (NM_001346899.2); c.3285C>G, p.Asn1095Lys (NM_001346900.2); c.2643C>G, p.Asn881Lys (NM_001346941.2); short protein forms N1148K, N1103K, N881K, N1095K.
Identifiers: ClinVar variation 2174368 (VCV002174368.4), dbSNP rs778725594, ClinGen allele CA4266402.

ClinVar aggregate classification (germline): Uncertain significance. Review status: criteria provided, multiple submitters, no conflicts (2 of 4 stars). 2 submissions from 2 submitters: Uncertain significance (2). Last evaluated 2024-12-02.

Conditions:
Hereditary cancer-predisposing syndrome. Also called: Tumor predisposition; Hereditary neoplastic syndrome; Neoplastic Syndromes, Hereditary; Hereditary Cancer Syndrome. Identifiers: Orphanet 140162, MedGen C0027672, MeSH D009386, MONDO:0015356.
EGFR-related lung cancer (EGFR). Identifiers: MedGen CN130014.

Allele frequency attached by ClinVar (database versions not stated): ExAC 0.00001.

Submissions (2):

Ambry Genetics
Classification: Uncertain significance for Hereditary cancer-predisposing syndrome. Last evaluated: 2024-12-02. Review status: criteria provided, single submitter. Criteria: Ambry Variant Classification Scheme 2023. Collection method: clinical testing. Allele origin: germline.
Comment: The p.N1148K variant (also known as c.3444C>G), located in coding exon 28 of the EGFR gene, results from a C to G substitution at nucleotide position 3444. The asparagine at codon 1148 is replaced by lysine, an amino acid with similar properties. This amino acid position is conserved. In addition, this alteration is predicted to be tolerated by in silico analysis. Based on the available evidence, the clinical significance of this variant remains unclear.

Labcorp Genetics (formerly Invitae), Labcorp
Classification: Uncertain significance for EGFR-related lung cancer. Last evaluated: 2024-10-30. Review status: criteria provided, single submitter. Criteria: Invitae Variant Classification Sherloc (09022015). Collection method: clinical testing. Allele origin: germline.
Comment: This sequence change replaces asparagine, which is neutral and polar, with lysine, which is basic and polar, at codon 1148 of the EGFR protein (p.Asn1148Lys). This variant is present in population databases (rs778725594, gnomAD 0.0009%). This variant has not been reported in the literature in individuals affected with EGFR-related conditions. ClinVar contains an entry for this variant (Variation ID: 2174368). An algorithm developed to predict the effect of missense changes on protein structure and function outputs the following: PolyPhen-2: "Benign". The lysine amino acid residue is found in multiple mammalian species, which suggests that this missense change does not adversely affect protein function. In summary, the available evidence is currently insufficient to determine the role of this variant in disease. Therefore, it has been classified as a Variant of Uncertain Significance.